The following is an entry in ClinVar:

NM_182961.4(SYNE1):c.3256G>A (p.Val1086Met)

Gene: SYNE1 (spectrin repeat containing nuclear envelope protein 1; minus strand). Cytogenetic location: 6q25.2.
Variant type: single nucleotide variant.
Coding change: c.3256G>A on transcript NM_182961.4 (MANE Select); coding-DNA position 3256, G replaced by A.
Protein change: p.Val1086Met; replaces valine 1086 with methionine.
Molecular consequence: missense variant.
Genome position (GRCh38, 1-based): chr6:152,450,764, C>T on the plus strand (G>A on the coding strand, the complement: SYNE1 is on the minus strand). VCF-style: chr6-152450764-C-T. GRCh37 (hg19) VCF-style: chr6-152771899-C-T.
Other names: c.3277G>A, p.Val1093Met (NM_033071.5); short protein forms V1093M, V1086M.
Identifiers: ClinVar variation 642891 (VCV000642891.8), dbSNP rs1592962615, ClinGen allele CA366149833.

ClinVar aggregate classification (germline): Uncertain significance (1 of 4 stars; one submission).

Conditions:
Autosomal recessive ataxia, Beauce type. Also called: Spinocerebellar ataxia, autosomal recessive 8; ATAXIA, RECESSIVE, OF BEAUCE; SYNE1 Deficiency; SYNE1-Related Autosomal Recessive Cerebellar Ataxia. Identifiers: Orphanet 88644, MedGen C1853116, MONDO:0012549, OMIM 610743.
Emery-Dreifuss muscular dystrophy 4, autosomal dominant (EDMD4). Also called: EMERY-DREIFUSS MUSCULAR DYSTROPHY 4 WITH VARIABLE FEATURES. Identifiers: Orphanet 261, MedGen C2751807, MONDO:0013071, OMIM 612998.

Allele frequency attached by ClinVar (database versions not stated): TOPMed below 0.00001.

Submission:

Labcorp Genetics (formerly Invitae), Labcorp
Classification: Uncertain significance for Emery-Dreifuss muscular dystrophy 4, autosomal dominant; Autosomal recessive ataxia, Beauce type. Last evaluated: 2018-10-16. Review status: criteria provided, single submitter. Criteria: Invitae Variant Classification Sherloc (09022015). Collection method: clinical testing. Allele origin: germline.
Comment: In summary, the available evidence is currently insufficient to determine the role of this variant in disease. Therefore, it has been classified as a Variant of Uncertain Significance. Algorithms developed to predict the effect of missense changes on protein structure and function (SIFT, PolyPhen-2, Align-GVGD) all suggest that this variant is likely to be tolerated, but these predictions have not been confirmed by published functional studies and their clinical significance is uncertain. This variant has not been reported in the literature in individuals with SYNE1-related disease. This variant is not present in population databases (ExAC no frequency). This sequence change replaces valine with methionine at codon 1093 of the SYNE1 protein (p.Val1093Met). The valine residue is weakly conserved and there is a small physicochemical difference between valine and methionine.